The following is an entry in ClinVar:

ClinVar aggregate classification (germline): Uncertain significance (1 of 4 stars; one submission).

Conditions:
Hajdu-Cheney syndrome (HJCYS). Also called: Acroosteolysis dominant type; ACROOSTEOLYSIS WITH OSTEOPOROSIS AND CHANGES IN SKULL AND MANDIBLE; SERPENTINE FIBULA-POLYCYSTIC KIDNEY SYNDROME. Identifiers: Orphanet 955, MedGen C0917715, MONDO:0007057, OMIM 102500.

Submission:

Labcorp Genetics (formerly Invitae), Labcorp
Classification: Uncertain significance for Hajdu-Cheney syndrome. Last evaluated: 2025-07-08. Review status: criteria provided, single submitter. Criteria: Invitae Variant Classification Sherloc (09022015). Collection method: clinical testing. Allele origin: germline.
Comment: This sequence change replaces serine, which is neutral and polar, with alanine, which is neutral and non-polar, at codon 1362 of the NOTCH2 protein (p.Ser1362Ala). This variant is not present in population databases (gnomAD no frequency). This variant has not been reported in the literature in individuals affected with NOTCH2-related conditions. Invitae Evidence Modeling of protein sequence and biophysical properties (such as structural, functional, and spatial information, amino acid conservation, physicochemical variation, residue mobility, and thermodynamic stability) indicates that this missense variant is not expected to disrupt NOTCH2 protein function with a negative predictive value of 80%. In summary, the available evidence is currently insufficient to determine the role of this variant in disease. Therefore, it has been classified as a Variant of Uncertain Significance.

NM_024408.4(NOTCH2):c.4084T>G (p.Ser1362Ala)

Gene: NOTCH2 (notch receptor 2; minus strand). Cytogenetic location: 1p12.
Variant type: single nucleotide variant.
Coding change: c.4084T>G on transcript NM_024408.4 (MANE Select); coding-DNA position 4084, T replaced by G.
Protein change: p.Ser1362Ala; replaces serine 1362 with alanine.
Molecular consequence: missense variant.
Genome position (GRCh38, 1-based): chr1:119,925,732, A>C on the plus strand (T>G on the coding strand, the complement: NOTCH2 is on the minus strand). VCF-style: chr1-119925732-A-C. GRCh37 (hg19) VCF-style: chr1-120468355-A-C.
Other names: short protein forms S1362A.
Identifiers: ClinVar variation 4724424 (VCV004724424.1).
Genomic context (GRCh38, chr1:119,925,732, plus strand): 5'-GGCTACTGGCACAGCCTGACTCGCAGTCCCGGGGACTGGGGCAGAAGCAGCGGGGTCCAG[A>C]GGCGGTGTGCACACACTGCTCCCCCTTCCTACATTTCACTTGTCCACAGCTGCTCTGGCA-3'
Protein context (NP_077719.2, residues 1352-1372): RKGEQCVHTA[Ser1362Ala]GPRCFCPSPR